The following is an entry in ClinVar:

NM_000368.5(TSC1):c.308G>T (p.Trp103Leu)

Gene: TSC1 (TSC complex subunit 1; minus strand). Cytogenetic location: 9q34.13.
Variant type: single nucleotide variant.
Coding change: c.308G>T on transcript NM_000368.5 (MANE Select); coding-DNA position 308, G replaced by T.
Protein change: p.Trp103Leu; replaces tryptophan 103 with leucine.
Molecular consequence: missense variant. On other transcripts: 5 prime UTR variant (1), intron variant (1).
Genome position (GRCh38, 1-based): chr9:132,925,642, C>A on the plus strand (G>T on the coding strand, the complement: TSC1 is on the minus strand). VCF-style: chr9-132925642-C-A. GRCh37 (hg19) VCF-style: chr9-135801029-C-A.
Other names: c.308G>T, p.Trp103Leu (NM_001162426.2); c.-56G>T (NM_001362177.2); c.210+1559G>T (NM_001162427.2); short protein forms W103L.
Identifiers: ClinVar variation 1060958 (VCV001060958.9), dbSNP rs118203364, ClinGen allele CA375374502.

ClinVar aggregate classification (germline): Uncertain significance (1 of 4 stars; one submission).

Conditions:
Tuberous sclerosis 1 (TSC1). Identifiers: Orphanet 805, MedGen C1854465, MONDO:0008612, OMIM 191100.

Submission:

Labcorp Genetics (formerly Invitae), Labcorp
Classification: Uncertain significance for Tuberous sclerosis 1. Last evaluated: 2020-05-21. Review status: criteria provided, single submitter. Criteria: Invitae Variant Classification Sherloc (09022015). Collection method: clinical testing. Allele origin: germline.
Comment: In summary, the available evidence is currently insufficient to determine the role of this variant in disease. Therefore, it has been classified as a Variant of Uncertain Significance. Algorithms developed to predict the effect of missense changes on protein structure and function are either unavailable or do not agree on the potential impact of this missense change (SIFT: "Deleterious"; PolyPhen-2: "Probably Damaging"; Align-GVGD: "Class C0"). This variant has not been reported in the literature in individuals with TSC1-related conditions. This variant is not present in population databases (ExAC no frequency). This sequence change replaces tryptophan with leucine at codon 103 of the TSC1 protein (p.Trp103Leu). The tryptophan residue is highly conserved and there is a small physicochemical difference between tryptophan and leucine.